The following is an entry in ClinVar:

ClinVar aggregate classification (germline): Pathogenic (1 of 4 stars; one submission).

Conditions:
Telangiectasia, hereditary hemorrhagic, type 2 (HHT2). Also called: ACVRL1-Related Hereditary Hemorrhagic Telangiectasia; Telangiectasia, hereditary hemorrhagic, type II. Identifiers: Orphanet 774, MedGen C1838163, MONDO:0010880, OMIM 600376. Disease mechanism: loss of function.

Submission:

Labcorp Genetics (formerly Invitae), Labcorp
Classification: Pathogenic for Telangiectasia, hereditary hemorrhagic, type 2. Last evaluated: 2023-04-22. Review status: criteria provided, single submitter. Criteria: Invitae Variant Classification Sherloc (09022015). Collection method: clinical testing. Allele origin: germline.
Comment: This variant is not present in population databases (gnomAD no frequency). For these reasons, this variant has been classified as Pathogenic. ClinVar contains an entry for this variant (Variation ID: 2036520). This variant has not been reported in the literature in individuals affected with ACVRL1-related conditions. This sequence change creates a premature translational stop signal (p.Ser225Valfs*33) in the ACVRL1 gene. It is expected to result in an absent or disrupted protein product. Loss-of-function variants in ACVRL1 are known to be pathogenic (PMID: 15879500).

Literature cited by the submitters: PubMed 15879500.

NM_000020.3(ACVRL1):c.673del (p.Ser225fs)

Gene: ACVRL1 (activin A receptor like type 1; plus strand). Cytogenetic location: 12q13.13.
Variant type: Deletion.
Coding change: c.673del on transcript NM_000020.3 (MANE Select); coding-DNA position 673, one base deleted (A; older notation c.673delA).
Protein change: p.Ser225fs; shifts the reading frame from serine 225.
Molecular consequence: frameshift variant.
Genome position (GRCh38, 1-based): chr12:51,914,486, A deleted. VCF-style (leftmost placement, unchanged base first): chr12-51914485-GA-G. GRCh37 (hg19) VCF-style: chr12-52308269-GA-G.
Other names: c.673del, p.Ser225fs (NM_001077401.2); c.673delA, p.Ser225Valfs (NM_001406487.1, NM_001406488.1, NM_001406489.1); c.361delA, p.Ser121Valfs (NM_001406490.1, NM_001406491.1, NM_001406492.1 and 2 more transcripts); c.109delA, p.Ser37Valfs (NM_001406495.1); short protein forms S225fs.
Identifiers: ClinVar variation 2036520 (VCV002036520.4), dbSNP rs2540162624, ClinGen allele CA2580086470.